The following is an entry in ClinVar:

ClinVar aggregate classification (germline): Benign/Likely benign. Review status: criteria provided, multiple submitters, no conflicts (2 of 4 stars). 5 submissions from 5 submitters: Benign (2); Likely benign (3). Last evaluated 2026-01-24.

Conditions:
ERCC4-related disorder. Also called: ERCC4-related condition.
Fanconi anemia complementation group Q. Identifiers: Orphanet 84, MedGen C3808988, MONDO:0014108, OMIM 615272.
Cockayne syndrome. Identifiers: Orphanet 191, MedGen C0009207, MONDO:0016006.
Xeroderma pigmentosum, group F (XPF). Also called: XERODERMA PIGMENTOSUM, TYPE F; Xeroderma pigmentosum, type 6; XERODERMA PIGMENTOSUM, COMPLEMENTATION GROUP F; XERODERMA PIGMENTOSUM VI; XP, GROUP F; ERCC4-Related Xeroderma Pigmentosum. Identifiers: MedGen C0268140, MONDO:0010215, OMIM 278760.

Allele frequency attached by ClinVar (database versions not stated): ExAC 0.00021; gnomAD 0.00006; TOPMed 0.00011; gnomAD exomes 0.00019.
gnomAD v4.1: 65 of 1,612,802 alleles (0.004%); highest among the groups gnomAD compares: East Asian, 0.12%; 1 homozygote.

Submissions (5):

Labcorp Genetics (formerly Invitae), Labcorp
Classification: Benign for Fanconi anemia complementation group Q; Xeroderma pigmentosum, group F; Cockayne syndrome. Last evaluated: 2026-01-24. Review status: criteria provided, single submitter. Criteria: Invitae Variant Classification Sherloc (09022015). Collection method: clinical testing. Allele origin: germline.

PreventionGenetics, part of Exact Sciences
Classification: Likely benign for ERCC4-related condition. Last evaluated: 2025-10-13. Review status: criteria provided, single submitter. Criteria: ACMG Guidelines, 2015. Collection method: clinical testing. Allele origin: germline.
Comment: This variant is classified as likely benign based on ACMG/AMP sequence variant interpretation guidelines (Richards et al. 2015 PMID: 25741868, with internal and published modifications).

Blueprint Genetics
Classification: Likely benign. Last evaluated: 2024-08-14. Review status: criteria provided, single submitter. Criteria: ACMG Guidelines, 2015. Collection method: clinical testing. Allele origin: germline.

KCCC/NGS Laboratory, Kuwait Cancer Control Center
Classification: Benign for Xeroderma pigmentosum, group F. Last evaluated: 2023-07-07. Review status: criteria provided, single submitter. Criteria: ACMG Guidelines, 2015. Collection method: clinical testing. Allele origin: germline. Affected: yes.

Genetic Services Laboratory, University of Chicago
Classification: Likely benign. Last evaluated: 2019-09-17. Review status: criteria provided, single submitter. Criteria: ACMG Guidelines, 2015. Collection method: clinical testing. Allele origin: germline. Affected: no.

NM_005236.3(ERCC4):c.389-5C>T

Gene: ERCC4 (ERCC excision repair 4, endonuclease catalytic subunit; plus strand). Cytogenetic location: 16p13.12.
Variant type: single nucleotide variant.
Coding change: c.389-5C>T on transcript NM_005236.3 (MANE Select); 5 bases into the intron before coding-DNA position 389, C replaced by T.
Molecular consequence: intron variant.
Genome position (GRCh38, 1-based): chr16:13,926,556, C>T. VCF-style: chr16-13926556-C-T. GRCh37 (hg19) VCF-style: chr16-14020413-C-T.
Identifiers: ClinVar variation 415024 (VCV000415024.18), dbSNP rs377224276, ClinGen allele CA7910187.
Genomic context (GRCh38, chr16:13,926,556, plus strand): 5'-AATGTGATGAATGAATGGCAATTACCTACCTGTTCTGTAGTTTAAATTATGTTTCTCCCC[C>T]TCAGGCATCTTGGTGTATAGAGCCCACAGAATAATCGAGTCTTGTCAAGAAGCATTCATC-3'